The following is an entry in ClinVar:

NC_000004.11:g.(?_123868368)_(124011880_?)dup

Gene: AFG2A (AFG2 AAA ATPase homolog A; plus strand). Cytogenetic location: 4q28.1.
Variant type: Duplication.
Identifiers: ClinVar variation 2427331 (VCV002427331.5).

ClinVar aggregate classification (germline): Uncertain significance (1 of 4 stars; one submission).

Conditions:
Microcephaly-intellectual disability-sensorineural hearing loss-epilepsy-abnormal muscle tone syndrome (NEDHSB). Also called: NEURODEVELOPMENTAL DISORDER WITH HEARING LOSS, SEIZURES, AND BRAIN ABNORMALITIES. Identifiers: Orphanet 457351, MedGen C4225276, MONDO:0014698, OMIM 616577.

Submission:

Labcorp Genetics (formerly Invitae), Labcorp
Classification: Uncertain significance for Microcephaly-intellectual disability-sensorineural hearing loss-epilepsy-abnormal muscle tone syndrome. Last evaluated: 2022-08-08. Review status: criteria provided, single submitter. Criteria: Invitae Variant Classification Sherloc (09022015). Collection method: clinical testing. Allele origin: germline.
Comment: This variant results in a copy number gain of the genomic region encompassing exon(s) 9-14 of the SPATA5 gene. While the exact position of this variant cannot be determined from the data, sub-genic copy number gains are generally in tandem (PMID: 25640679). This variant is predicted to be in-frame, and likely preserves the integrity of the reading frame. This variant has not been reported in the literature in individuals affected with SPATA5-related conditions. Experimental studies and prediction algorithms are not available or were not evaluated, and the functional significance of this variant is currently unknown. In summary, the available evidence is currently insufficient to determine the role of this variant in disease. Therefore, it has been classified as a Variant of Uncertain Significance.

Literature cited by the submitters: PubMed 25640679.